The following is an entry in ClinVar:

NM_000152.5(GAA):c.1966del (p.Glu656fs)

Gene: GAA (alpha glucosidase; plus strand). Cytogenetic location: 17q25.3.
Variant type: Deletion.
Coding change: c.1966del on transcript NM_000152.5 (MANE Select); coding-DNA position 1966, one base deleted (G; older notation c.1966delG).
Protein change: p.Glu656fs; shifts the reading frame from glutamic acid 656.
Molecular consequence: frameshift variant.
Genome position (GRCh38, 1-based): chr17:80,112,953, G deleted; the last of 2 consecutive G bases (chr17:80,112,952-80,112,953); deleting either gives the same sequence. VCF-style (leftmost placement, unchanged base first): chr17-80112951-AG-A. GRCh37 (hg19) VCF-style: chr17-78086750-AG-A.
Other names: c.1966del, p.Glu656fs (NM_001079803.3, NM_001079804.3); c.1966delG, p.Glu656Serfs (NM_001406741.1, NM_001406742.1); short protein forms E656fs.
Identifiers: ClinVar variation 1726905 (VCV001726905.2), dbSNP rs2510384001, ClinGen allele CA2580095802.

ClinVar aggregate classification (germline): Likely pathogenic (1 of 4 stars; one submission).

Conditions:
Glycogen storage disease, type II (IOPD). Also called: POMPE DISEASE, INFANTILE-ONSET; GLYCOGEN STORAGE DISEASE II, INFANTILE-ONSET; ACID ALPHA-GLUCOSIDASE DEFICIENCY, INFANTILE-ONSET; GAA DEFICIENCY, INFANTILE-ONSET; ACID MALTASE DEFICIENCY, INFANTILE-ONSET; CARDIOMEGALIA GLYCOGENICA DIFFUSA. Identifiers: Orphanet 365, MedGen C0017921, MONDO:0009290, OMIM 232300.

Submission:

Myriad Genetics, Inc.
Classification: Likely pathogenic for Glycogen storage disease, type II. Last evaluated: 2022-01-02. Review status: criteria provided, single submitter. Criteria: Myriad Women's Health Autosomal Recessive and X-Linked Classification Criteria (2021). Collection method: clinical testing. Allele origin: unknown.
Comment: NM_000152.3(GAA):c.1966delG(E656Sfs*40) is expected to be pathogenic in the context of Pompe disease. This variant is predicted to lead to an abnormal or absent protein product due to the creation of a premature termination codon in GAA, a gene where loss-of-function variants are known to be pathogenic. Please note: this variant was assessed in the context of healthy population screening.